The following is an entry in ClinVar:

ClinVar aggregate classification (germline): Likely benign (1 of 4 stars; one submission).

gnomAD v4.1: 2,301 of 1,614,176 alleles (0.14%); highest among the groups gnomAD compares: Non-Finnish European, 0.18%; 3 homozygotes.

Submission:

CeGaT Center for Human Genetics Tuebingen
Classification: Likely benign. Last evaluated: 2025-10-01. Review status: criteria provided, single submitter. Criteria: CeGaT Center For Human Genetics Tuebingen Variant Classification Criteria Version 2. Collection method: clinical testing. Allele origin: germline. Affected: yes. Observed: 1 variant allele.
Comment: DNMBP: BP4

NM_015221.4(DNMBP):c.4145C>T (p.Thr1382Ile)

Gene: DNMBP (dynamin binding protein; minus strand). Cytogenetic location: 10q24.2.
Variant type: single nucleotide variant.
Coding change: c.4145C>T on transcript NM_015221.4 (MANE Select); coding-DNA position 4145, C replaced by T.
Protein change: p.Thr1382Ile; replaces threonine 1382 with isoleucine.
Molecular consequence: missense variant. On other transcripts: non-coding transcript variant (2).
Genome position (GRCh38, 1-based): chr10:99,880,214, G>A on the plus strand (C>T on the coding strand, the complement: DNMBP is on the minus strand). VCF-style: chr10-99880214-G-A. GRCh37 (hg19) VCF-style: chr10-101639971-G-A.
Other names: c.3041C>T, p.Thr1014Ile (NM_001318326.2); c.1883C>T, p.Thr628Ile (NM_001318327.2); c.4145C>T, p.Thr1382Ile (NM_001441287.1); c.4016C>T, p.Thr1339Ile (NM_001441288.1); c.1880C>T, p.Thr627Ile (NM_001441290.1); c.1655C>T, p.Thr552Ile (NM_001441291.1); c.1367C>T, p.Thr456Ile (NM_001441292.1); c.953C>T, p.Thr318Ile (NM_001441293.1); short protein forms T1014I, T1339I, T1382I, T318I, T456I, T552I, T627I, T628I.
Identifiers: ClinVar variation 4533510 (VCV004533510.6).
Genomic context (GRCh38, chr10:99,880,214, plus strand): 5'-TGCTTCTGGCAAGACCCCGAGGTAAAGGATACAGCCATGCTGCTGGGGTTGAAGGTCAGG[G>A]TGCTGCCGCTGTTCTGGCGTGGGAACCTGGGGGAGGAGCTGCCGTGCTCAGACTCTGTGG-3'
Protein context (NP_056036.1, residues 1372-1392): PRFPRQNSGS[Thr1382Ile]LTFNPSSMAV